The following is an entry in ClinVar:

NM_001330691.3(CEP78):c.106G>A (p.Ala36Thr)

Gene: CEP78 (centrosomal protein 78; plus strand). Cytogenetic location: 9q21.2.
Variant type: single nucleotide variant.
Coding change: c.106G>A on transcript NM_001330691.3 (MANE Select); coding-DNA position 106, G replaced by A.
Protein change: p.Ala36Thr; replaces alanine 36 with threonine.
Molecular consequence: missense variant.
Genome position (GRCh38, 1-based): chr9:78,236,456, G>A. VCF-style: chr9-78236456-G-A. GRCh37 (hg19) VCF-style: chr9-80851372-G-A.
Other names: c.106G>A, p.Ala36Thr (NM_001098802.3, NM_001330693.3, NM_001330694.2 and 4 more transcripts); short protein forms A36T.
Identifiers: ClinVar variation 1391227 (VCV001391227.4), dbSNP rs778003732, ClinGen allele CA5094809.

ClinVar aggregate classification (germline): Uncertain significance. Review status: criteria provided, multiple submitters, no conflicts (2 of 4 stars). 2 submissions from 2 submitters: Uncertain significance (2). Last evaluated 2022-03-25.

Conditions:
Cone-rod dystrophy and hearing loss 1 (CRDHL1). Identifiers: MedGen C5193018, MONDO:0020778, OMIM 617236.

Allele frequency attached by ClinVar (database versions not stated): TOPMed below 0.00001; ExAC 0.00003.
gnomAD v4.1: 5 of 1,605,400 alleles (0.00031%); highest among the groups gnomAD compares: South Asian, 0.0034%; no homozygotes.

Submissions (2):

Fulgent Genetics
Classification: Uncertain significance for Cone-rod dystrophy and hearing loss 1. Last evaluated: 2022-03-25. Review status: criteria provided, single submitter. Criteria: ACMG Guidelines, 2015. Collection method: clinical testing. Allele origin: unknown.

Labcorp Genetics (formerly Invitae), Labcorp
Classification: Uncertain significance. Last evaluated: 2022-03-04. Review status: criteria provided, single submitter. Criteria: Invitae Variant Classification Sherloc (09022015). Collection method: clinical testing. Allele origin: germline.
Comment: This sequence change replaces alanine, which is neutral and non-polar, with threonine, which is neutral and polar, at codon 36 of the CEP78 protein (p.Ala36Thr). The frequency data for this variant in the population databases is considered unreliable, as metrics indicate poor data quality at this position in the gnomAD database. This variant has not been reported in the literature in individuals affected with CEP78-related conditions. Algorithms developed to predict the effect of missense changes on protein structure and function output the following: SIFT: "Tolerated"; PolyPhen-2: "Benign"; Align-GVGD: "Class C0". The threonine amino acid residue is found in multiple mammalian species, which suggests that this missense change does not adversely affect protein function. In summary, the available evidence is currently insufficient to determine the role of this variant in disease. Therefore, it has been classified as a Variant of Uncertain Significance.